The following is an entry in ClinVar:

ClinVar aggregate classification (germline): Uncertain significance. Review status: criteria provided, multiple submitters, no conflicts (2 of 4 stars). 4 submissions from 4 submitters: Uncertain significance (3). 1 of the submissions does not count toward it. Last evaluated 2023-07-10.

Conditions:
Cardiovascular phenotype. Identifiers: MedGen CN230736.
Hypertrophic cardiomyopathy 12. Identifiers: MedGen C2677491, MONDO:0012804, OMIM 612124.
Dilated cardiomyopathy 1M (CMD1M). Identifiers: Orphanet 154, MedGen C1843808, MONDO:0011840, OMIM 607482.
Hypertrophic cardiomyopathy. Also called: HYPERTROPHIC MYOCARDIOPATHY. Identifiers: Orphanet 217569, MedGen C0007194, MeSH D002312, MONDO:0005045, HP:0001639.

Allele frequency attached by ClinVar (database versions not stated): gnomAD exomes below 0.00001.
gnomAD v4.1: 1 of 1,614,122 alleles (0.000062%); highest among the groups gnomAD compares: Non-Finnish European, 0.000085%; no homozygotes.

Submissions (4):

Ambry Genetics
Classification: Uncertain significance for Cardiovascular phenotype. Last evaluated: 2023-07-10. Review status: criteria provided, single submitter. Criteria: Ambry Variant Classification Scheme 2023. Collection method: clinical testing. Allele origin: germline.
Comment: The p.F30L variant (also known as c.88T>C), located in coding exon 1 of the CSRP3 gene, results from a T to C substitution at nucleotide position 88. The phenylalanine at codon 30 is replaced by leucine, an amino acid with highly similar properties. This amino acid position is conserved. In addition, this alteration is predicted to be deleterious by in silico analysis. Since supporting evidence is limited at this time, the clinical significance of this alteration remains unclear.

GeneDx
Classification: Uncertain significance. Last evaluated: 2023-06-15. Review status: criteria provided, single submitter. Criteria: GeneDx Variant Classification Process June 2021. Collection method: clinical testing. Allele origin: germline. Affected: yes.
Comment: Not observed at significant frequency in large population cohorts (gnomAD); In silico analysis supports that this missense variant has a deleterious effect on protein structure/function; Has not been previously published as pathogenic or benign to our knowledge

Labcorp Genetics (formerly Invitae), Labcorp
Classification: Uncertain significance for Hypertrophic cardiomyopathy 12; Dilated cardiomyopathy 1M. Last evaluated: 2022-05-08. Review status: criteria provided, single submitter. Criteria: Invitae Variant Classification Sherloc (09022015). Collection method: clinical testing. Allele origin: germline.
Comment: In summary, the available evidence is currently insufficient to determine the role of this variant in disease. Therefore, it has been classified as a Variant of Uncertain Significance. Algorithms developed to predict the effect of missense changes on protein structure and function are either unavailable or do not agree on the potential impact of this missense change (SIFT: "Deleterious"; PolyPhen-2: "Probably Damaging"; Align-GVGD: "Class C0"). This variant has not been reported in the literature in individuals affected with CSRP3-related conditions. This variant is not present in population databases (gnomAD no frequency). This sequence change replaces phenylalanine, which is neutral and non-polar, with leucine, which is neutral and non-polar, at codon 30 of the CSRP3 protein (p.Phe30Leu).

Zaffran Lab, Genetics of Cardiac Diseases Laboratory, Marseille Medical Genetics
Classification: Uncertain significance for hypertrophic cardiomyopathy. Review status: no assertion criteria provided. Collection method: research. Allele origin: unknown. Affected: yes. Not counted in ClinVar's aggregate classification.

NM_003476.5(CSRP3):c.88T>C (p.Phe30Leu)

Gene: CSRP3 (cysteine and glycine rich protein 3; minus strand). Cytogenetic location: 11p15.1.
Variant type: single nucleotide variant.
Coding change: c.88T>C on transcript NM_003476.5 (MANE Select); coding-DNA position 88, T replaced by C.
Protein change: p.Phe30Leu; replaces phenylalanine 30 with leucine.
Molecular consequence: missense variant.
Genome position (GRCh38, 1-based): chr11:19,192,361, A>G on the plus strand (T>C on the coding strand, the complement: CSRP3 is on the minus strand). VCF-style: chr11-19192361-A-G. GRCh37 (hg19) VCF-style: chr11-19213908-A-G.
Other names: c.88T>C (NM_003476.3, NM_003476.4); c.88T>C, p.Phe30Leu (NM_001369404.1); short protein forms F30L.
Identifiers: ClinVar variation 1414827 (VCV001414827.9), dbSNP rs2133516315, ClinGen allele CA379888521.
Genomic context (GRCh38, chr11:19,192,361, plus strand): 5'-ATGCTGAGGGGCCCCCAGGGTGTCCACCCAACTCACTGCAGTGGAAACACGTCTTGTGGA[A>G]ACTCCTTCCATTGCACTGGATTTCTTCTGCATGGTAGACGGTCTTTTCACAGGCTCCACA-3'
Protein context (NP_003467.1, residues 20-40): AEEIQCNGRS[Phe30Leu]HKTCFHCMAC